The following is an entry in ClinVar:

ClinVar aggregate classification (germline): Uncertain significance. Review status: criteria provided, multiple submitters, no conflicts (2 of 4 stars). 2 submissions from 2 submitters: Uncertain significance (2). Last evaluated 2023-04-05.

Conditions:
Hypertrophic cardiomyopathy. Also called: HYPERTROPHIC MYOCARDIOPATHY. Identifiers: Orphanet 217569, MedGen C0007194, MeSH D002312, MONDO:0005045, HP:0001639.

Submissions (2):

Blueprint Genetics
Classification: Uncertain significance. Last evaluated: 2023-04-05. Review status: criteria provided, single submitter. Criteria: ACMG Guidelines, 2015. Collection method: clinical testing. Allele origin: germline.

Labcorp Genetics (formerly Invitae), Labcorp
Classification: Uncertain significance for Hypertrophic cardiomyopathy. Last evaluated: 2022-07-17. Review status: criteria provided, single submitter. Criteria: Invitae Variant Classification Sherloc (09022015). Collection method: clinical testing. Allele origin: germline.
Comment: This sequence change replaces aspartic acid, which is acidic and polar, with asparagine, which is neutral and polar, at codon 262 of the MYH7 protein (p.Asp262Asn). This variant is not present in population databases (gnomAD no frequency). This variant has not been reported in the literature in individuals affected with MYH7-related conditions. ClinVar contains an entry for this variant (Variation ID: 937443). Algorithms developed to predict the effect of missense changes on protein structure and function are either unavailable or do not agree on the potential impact of this missense change (SIFT: "Tolerated"; PolyPhen-2: "Probably Damaging"; Align-GVGD: "Class C0"). This variant is found within a region of MYH7 between codons 181 and 937 that contains the majority of the myosin head domain. Missense variants in this region have been shown to be significantly overrepresented in individuals with hypertrophic cardiomyopathy (PMID: 27532257). In summary, the available evidence is currently insufficient to determine the role of this variant in disease. Therefore, it has been classified as a Variant of Uncertain Significance.

Literature cited by the submitters: PubMed 27532257 (cited by Labcorp Genetics (formerly Invitae), Labcorp).

NM_000257.4(MYH7):c.784G>A (p.Asp262Asn)

Gene: MYH7 (myosin heavy chain 7; minus strand). Cytogenetic location: 14q11.2.
Variant type: single nucleotide variant.
Coding change: c.784G>A on transcript NM_000257.4 (MANE Select); coding-DNA position 784, G replaced by A.
Protein change: p.Asp262Asn; replaces aspartic acid 262 with asparagine.
Molecular consequence: missense variant.
Genome position (GRCh38, 1-based): chr14:23,431,430, C>T on the plus strand (G>A on the coding strand, the complement: MYH7 is on the minus strand). VCF-style: chr14-23431430-C-T. GRCh37 (hg19) VCF-style: chr14-23900639-C-T.
Other names: short protein forms D262N.
Identifiers: ClinVar variation 937443 (VCV000937443.10), dbSNP rs1892932812, ClinGen allele CA389052062.